The following is an entry in ClinVar:

ClinVar aggregate classification (germline): Uncertain significance (1 of 4 stars; one submission).

Conditions:
Inborn genetic diseases. Identifiers: MedGen C0950123, MeSH D030342.

Submission:

Ambry Genetics
Classification: Uncertain significance for Inborn genetic diseases. Last evaluated: 2023-02-15. Review status: criteria provided, single submitter. Criteria: Ambry Variant Classification Scheme 2023. Collection method: clinical testing. Allele origin: germline.
Comment: The p.R156L variant (also known as c.467G>T), located in coding exon 6 of the ERCC2 gene, results from a G to T substitution at nucleotide position 467. The arginine at codon 156 is replaced by leucine, an amino acid with dissimilar properties. This amino acid position is conserved. In addition, the in silico prediction for this alteration is inconclusive. Since supporting evidence is limited at this time, the clinical significance of this alteration remains unclear.

NM_000400.4(ERCC2):c.467G>T (p.Arg156Leu)

Gene: ERCC2 (ERCC excision repair 2, TFIIH core complex helicase subunit; minus strand). Cytogenetic location: 19q13.32.
Variant type: single nucleotide variant.
Coding change: c.467G>T on transcript NM_000400.4 (MANE Select); coding-DNA position 467, G replaced by T.
Protein change: p.Arg156Leu; replaces arginine 156 with leucine.
Molecular consequence: missense variant.
Genome position (GRCh38, 1-based): chr19:45,365,052, C>A on the plus strand (G>T on the coding strand, the complement: ERCC2 is on the minus strand). VCF-style: chr19-45365052-C-A. GRCh37 (hg19) VCF-style: chr19-45868310-C-A.
Other names: c.395G>T, p.Arg132Leu (NM_001130867.2); short protein forms R156L, R132L.
Identifiers: ClinVar variation 2479787 (VCV002479787.2), dbSNP rs201294521, ClinGen allele CA406375860.